The following is an entry in ClinVar:

NM_006486.3(FBLN1):c.1221C>T (p.Pro407=)

Gene: FBLN1 (fibulin 1; plus strand). Cytogenetic location: 22q13.31.
Variant type: single nucleotide variant.
Coding change: c.1221C>T on transcript NM_006486.3 (MANE Select); coding-DNA position 1221, C replaced by T.
Protein change: p.Pro407=; no amino-acid change (proline 407 retained).
Molecular consequence: synonymous variant.
Genome position (GRCh38, 1-based): chr22:45,543,426, C>T. VCF-style: chr22-45543426-C-T. GRCh37 (hg19) VCF-style: chr22-45939306-C-T.
Other names: c.1221C>T, p.Pro407= (NM_001996.4, NM_006485.4, NM_006487.3); c.1221C>T (NM_006486.2).
Identifiers: ClinVar variation 2045165 (VCV002045165.6), dbSNP rs375160844, ClinGen allele CA10286873.
Genomic context (GRCh38, chr22:45,543,426, plus strand): 5'-ACATTGCCCTGAGTCAGCCCACCCCTCACTTTCAGATGTCAACGAGTGCCAGCGCTACCC[C>T]GGGCGCCTGTGTGGCCACAAGTGCGAGAACACGCTGGGCTCCTACCTCTGCAGCTGTTCC-3'
Protein context (NP_006477.3, residues 397-417): CVDVNECQRY[Pro407=]GRLCGHKCEN

ClinVar aggregate classification (germline): Likely benign. Review status: criteria provided, single submitter (1 of 4 stars). 2 submissions from 2 submitters: Likely benign (1). 1 of the submissions does not count toward it. Last evaluated 2025-03-31.

Conditions:
FBLN1-related disorder. Also called: FBLN1-related condition.

Allele frequency attached by ClinVar (database versions not stated): ExAC 0.00011; ESP Exome Variant Server 0.00023; gnomAD 0.00030; TOPMed 0.00031; 1000 Genomes Project 30x 0.00047; 1000 Genomes Project 0.00060.
gnomAD v4.1: 96 of 1,613,522 alleles (0.0059%); highest among the groups gnomAD compares: African/African-American, 0.088%; no homozygotes.

Submissions (2):

Labcorp Genetics (formerly Invitae), Labcorp
Classification: Likely benign. Last evaluated: 2025-03-31. Review status: criteria provided, single submitter. Criteria: Invitae Variant Classification Sherloc (09022015). Collection method: clinical testing. Allele origin: germline.

PreventionGenetics, part of Exact Sciences
Classification: Likely benign for FBLN1-related condition. Last evaluated: 2023-07-10. Review status: no assertion criteria provided. Collection method: clinical testing. Allele origin: germline. Not counted in ClinVar's aggregate classification.
Comment: This variant is classified as likely benign based on ACMG/AMP sequence variant interpretation guidelines (Richards et al. 2015 PMID: 25741868, with internal and published modifications).